The following is an entry in ClinVar:

ClinVar aggregate classification (germline): Uncertain significance (0 of 4 stars; one submission).

Conditions:
Prostate cancer. Also called: Malignant tumor of prostate. Identifiers: Orphanet 1331, MedGen C0376358, MONDO:0008315, HP:0012125.

Submission:

Science for Life laboratory,  Karolinska Institutet
Classification: Uncertain significance for Malignant tumor of prostate. Review status: no assertion criteria provided. Collection method: not provided. Allele origin: somatic.
Comment: TumorID:SWE-1
ClinVar note: Converted during submission from Unknown to Uncertain significance.

NM_015178.3(RHOBTB2):c.392C>G (p.Pro131Arg)

Gene: RHOBTB2 (Rho related BTB domain containing 2; plus strand). Cytogenetic location: 8p21.3.
Variant type: single nucleotide variant.
Coding change: c.392C>G on transcript NM_015178.3 (MANE Select); coding-DNA position 392, C replaced by G.
Protein change: p.Pro131Arg; replaces proline 131 with arginine.
Molecular consequence: missense variant.
Genome position (GRCh38, 1-based): chr8:23,006,055, C>G. VCF-style: chr8-23006055-C-G. GRCh37 (hg19) VCF-style: chr8-22863568-C-G.
Other names: c.458C>G, p.Pro153Arg (NM_001160036.2); c.413C>G, p.Pro138Arg (NM_001160037.2); c.392C>G, p.Pro131Arg (NM_001374791.1); short protein forms P153R, P131R, P138R.
Identifiers: ClinVar variation 161539 (VCV000161539.2), dbSNP rs193920745, ClinGen allele CA174295.